The following is an entry in ClinVar:

ClinVar aggregate classification (germline): Uncertain significance (1 of 4 stars; one submission).

Submission:

Labcorp Genetics (formerly Invitae), Labcorp
Classification: Uncertain significance. Last evaluated: 2022-08-05. Review status: criteria provided, single submitter. Criteria: Invitae Variant Classification Sherloc (09022015). Collection method: clinical testing. Allele origin: germline.
Comment: In summary, the available evidence is currently insufficient to determine the role of this variant in disease. Therefore, it has been classified as a Variant of Uncertain Significance. Algorithms developed to predict the effect of sequence changes on RNA splicing suggest that this variant may disrupt the consensus splice site. Experimental studies and prediction algorithms are not available or were not evaluated, and the functional significance of this variant is currently unknown. This variant has not been reported in the literature in individuals affected with ADSSL1-related conditions. This variant is not present in population databases (gnomAD no frequency). This sequence change replaces serine, which is neutral and polar, with glycine, which is neutral and non-polar, at codon 5 of the ADSSL1 protein (p.Ser5Gly).

NM_152328.5(ADSS1):c.193-5115A>G

Gene: ADSS1 (adenylosuccinate synthase 1; plus strand). Cytogenetic location: 14q32.33.
Variant type: single nucleotide variant.
Coding change: c.193-5115A>G on transcript NM_152328.5 (MANE Select); 5115 bases into the intron before coding-DNA position 193, A replaced by G.
Molecular consequence: intron variant. On other transcripts: 5 prime UTR variant (1), missense variant (1).
Genome position (GRCh38, 1-based): chr14:104,729,905, A>G. VCF-style: chr14-104729905-A-G. GRCh37 (hg19) VCF-style: chr14-105196242-A-G.
Other names: c.-715A>G (NM_001320424.1); c.13A>G, p.Ser5Gly (NM_199165.2); short protein forms S5G.
Identifiers: ClinVar variation 1947599 (VCV001947599.5), dbSNP rs2541995569, ClinGen allele CA391232306.